The following is an entry in ClinVar:

NM_144573.4(NEXN):c.27+200T>C

Gene: NEXN (nexilin F-actin binding protein; plus strand). Cytogenetic location: 1p31.1.
Variant type: single nucleotide variant.
Coding change: c.27+200T>C on transcript NM_144573.4 (MANE Select); 200 bases into the intron after coding-DNA position 27, T replaced by C.
Molecular consequence: intron variant.
Genome position (GRCh38, 1-based): chr1:77,916,333, T>C. VCF-style: chr1-77916333-T-C. GRCh37 (hg19) VCF-style: chr1-78382018-T-C.
Other names: c.27+200T>C (NM_001172309.2).
Identifiers: ClinVar variation 675412 (VCV000675412.2), dbSNP rs115693312, ClinGen allele CA24704745.

ClinVar aggregate classification (germline): Benign. Review status: criteria provided, multiple submitters, no conflicts (2 of 4 stars). 2 submissions from 2 submitters: Benign (2). Last evaluated 2018-06-19.

Allele frequency attached by ClinVar (database versions not stated): gnomAD 0.01561 and 0.01669; TOPMed 0.01734; 1000 Genomes Project 0.02097; 1000 Genomes Project 30x 0.02249.
gnomAD v4.1: 2,355 of 152,260 alleles (1.5%); highest among the groups gnomAD compares: African/African-American, 5.3%; 50 homozygotes.

Submissions (2):

GeneDx
Classification: Benign. Last evaluated: 2018-06-19. Review status: criteria provided, single submitter. Criteria: GeneDx Variant Classification (06012015). Collection method: clinical testing. Allele origin: germline. Affected: yes.
Comment: This variant is considered likely benign or benign based on one or more of the following criteria: it is a conservative change, it occurs at a poorly conserved position in the protein, it is predicted to be benign by multiple in silico algorithms, and/or has population frequency not consistent with disease.

Breakthrough Genomics
Classification: Benign. Review status: criteria provided, single submitter. Criteria: ACMG Guidelines, 2015. Collection method: not provided. Allele origin: germline. Inheritance: Autosomal dominant inheritance. Affected: yes.